The following is an entry in ClinVar:

ClinVar aggregate classification (germline): Uncertain significance (1 of 4 stars; one submission).

Allele frequency attached by ClinVar (database versions not stated): gnomAD exomes below 0.00001 and 0.00001; ExAC 0.00001; gnomAD 0.00001; TOPMed 0.00001.
gnomAD v4.1: 7 of 1,597,518 alleles (0.00044%); highest among the groups gnomAD compares: African/African-American, 0.0013%; no homozygotes.

Submission:

Labcorp Genetics (formerly Invitae), Labcorp
Classification: Uncertain significance. Last evaluated: 2021-07-05. Review status: criteria provided, single submitter. Criteria: Invitae Variant Classification Sherloc (09022015). Collection method: clinical testing. Allele origin: germline.
Comment: In summary, the available evidence is currently insufficient to determine the role of this variant in disease. Therefore, it has been classified as a Variant of Uncertain Significance. Algorithms developed to predict the effect of missense changes on protein structure and function are either unavailable or do not agree on the potential impact of this missense change (SIFT: "Tolerated"; PolyPhen-2: "Probably Damaging"; Align-GVGD: "Class C0"). This variant has not been reported in the literature in individuals affected with LAMA5-related conditions. This variant is present in population databases (rs769279935, ExAC 0.002%). This sequence change replaces proline with serine at codon 582 of the LAMA5 protein (p.Pro582Ser). The proline residue is moderately conserved and there is a moderate physicochemical difference between proline and serine.

NM_005560.6(LAMA5):c.1744C>T (p.Pro582Ser)

Gene: LAMA5 (laminin subunit alpha 5; minus strand). Cytogenetic location: 20q13.33.
Variant type: single nucleotide variant.
Coding change: c.1744C>T on transcript NM_005560.6 (MANE Select); coding-DNA position 1744, C replaced by T.
Protein change: p.Pro582Ser; replaces proline 582 with serine.
Molecular consequence: missense variant.
Genome position (GRCh38, 1-based): chr20:62,338,244, G>A on the plus strand (C>T on the coding strand, the complement: LAMA5 is on the minus strand). VCF-style: chr20-62338244-G-A. GRCh37 (hg19) VCF-style: chr20-60913300-G-A.
Other names: short protein forms P582S.
Identifiers: ClinVar variation 1432597 (VCV001432597.8), dbSNP rs769279935, ClinGen allele CA9943781.